The following is an entry in ClinVar:

ClinVar aggregate classification (germline): Likely benign (1 of 4 stars; one submission).

Allele frequency attached by ClinVar (database versions not stated): 1000 Genomes Project 30x 0.00265; 1000 Genomes Project 0.00280; ESP Exome Variant Server 0.00377; gnomAD 0.00427; TOPMed 0.00445; ExAC 0.00529.
gnomAD v4.1: 7,960 of 1,613,864 alleles (0.49%); highest among the groups gnomAD compares: Middle Eastern, 0.81%; 38 homozygotes.

Submission:

CeGaT Center for Human Genetics Tuebingen
Classification: Likely benign. Last evaluated: 2022-03-01. Review status: criteria provided, single submitter. Criteria: CeGaT Center For Human Genetics Tuebingen Variant Classification Criteria Version 2. Collection method: clinical testing. Allele origin: germline. Affected: yes. Observed: 1 variant allele.
Comment: ITPK1: BP4, BP7

NM_014216.6(ITPK1):c.402G>A (p.Thr134=)

Gene: ITPK1 (inositol-tetrakisphosphate 1-kinase; minus strand). Cytogenetic location: 14q32.12.
Variant type: single nucleotide variant.
Coding change: c.402G>A on transcript NM_014216.6 (MANE Select); coding-DNA position 402, G replaced by A.
Protein change: p.Thr134=; no amino-acid change (threonine 134 retained).
Molecular consequence: synonymous variant.
Genome position (GRCh38, 1-based): chr14:92,962,812, C>T on the plus strand (G>A on the coding strand, the complement: ITPK1 is on the minus strand). VCF-style: chr14-92962812-C-T. GRCh37 (hg19) VCF-style: chr14-93429157-C-T.
Other names: c.402G>A, p.Thr134= (NM_001142593.3, NM_001142594.3); c.45G>A, p.Thr15= (NM_001363707.2).
Identifiers: ClinVar variation 2644471 (VCV002644471.24), dbSNP rs149380374, ClinGen allele CA7319034.